The following is an entry in ClinVar:

NM_001277115.2(DNAH11):c.5761G>A (p.Glu1921Lys)

Gene: DNAH11 (dynein axonemal heavy chain 11; plus strand). Cytogenetic location: 7p15.3.
Variant type: single nucleotide variant.
Coding change: c.5761G>A on transcript NM_001277115.2 (MANE Select); coding-DNA position 5761, G replaced by A.
Protein change: p.Glu1921Lys; replaces glutamic acid 1921 with lysine.
Molecular consequence: missense variant.
Genome position (GRCh38, 1-based): chr7:21,687,238, G>A. VCF-style: chr7-21687238-G-A. GRCh37 (hg19) VCF-style: chr7-21726856-G-A.
Other names: short protein forms E1921K.
Identifiers: ClinVar variation 695240 (VCV000695240.17), dbSNP rs199613080, ClinGen allele CA4180536.

ClinVar aggregate classification (germline): Conflicting classifications of pathogenicity. Review status: criteria provided, conflicting classifications (1 of 4 stars). 4 submissions from 4 submitters: Uncertain significance (2); Likely benign (1). 1 of the submissions does not count toward it. Last evaluated 2025-09-10.

Conditions:
Primary ciliary dyskinesia. Also called: Ciliary dyskinesia. Identifiers: Orphanet 244, MedGen C0008780, MONDO:0016575, HP:0012265.
DNAH11-related disorder. Also called: DNAH11-related condition.
Primary ciliary dyskinesia 7. Also called: CILIARY DYSKINESIA, PRIMARY, 7, WITH OR WITHOUT SITUS INVERSUS. Identifiers: Orphanet 244, MedGen C2678473, MONDO:0012748, OMIM 611884.

Allele frequency attached by ClinVar (database versions not stated): gnomAD exomes 0.00005 and 0.00020; ExAC 0.00026; ESP Exome Variant Server 0.00067; gnomAD 0.00084 and 0.00088; 1000 Genomes Project 0.00100; TOPMed 0.00115; 1000 Genomes Project 30x 0.00141.
gnomAD v4.1: 214 of 1,588,086 alleles (0.013%); highest among the groups gnomAD compares: African/African-American, 0.21%; no homozygotes.

Submissions (4):

Labcorp Genetics (formerly Invitae), Labcorp
Classification: Likely benign for Primary ciliary dyskinesia. Last evaluated: 2025-09-10. Review status: criteria provided, single submitter. Criteria: Invitae Variant Classification Sherloc (09022015). Collection method: clinical testing. Allele origin: germline.

GeneDx
Classification: Uncertain significance. Last evaluated: 2024-03-20. Review status: criteria provided, single submitter. Criteria: GeneDx Variant Classification Process June 2021. Collection method: clinical testing. Allele origin: germline.
Comment: In silico analysis supports that this missense variant has a deleterious effect on protein structure/function; Has not been previously published as pathogenic or benign to our knowledge

New York Genome Center
Classification: Uncertain significance for Primary ciliary dyskinesia 7. Last evaluated: 2021-03-04. Review status: criteria provided, single submitter. Criteria: NYGC Assertion Criteria 2020. Collection method: clinical testing. Allele origin: inherited. Observed: 1 heterozygote. Study: CSER-NYCKidSeq.

PreventionGenetics, part of Exact Sciences
Classification: Likely benign for DNAH11-related condition. Last evaluated: 2023-03-08. Review status: no assertion criteria provided. Collection method: clinical testing. Allele origin: germline. Not counted in ClinVar's aggregate classification.
Comment: This variant is classified as likely benign based on ACMG/AMP sequence variant interpretation guidelines (Richards et al. 2015 PMID: 25741868, with internal and published modifications).